The following is an entry in ClinVar:

ClinVar aggregate classification (germline): Uncertain significance (1 of 4 stars; one submission).

Allele frequency attached by ClinVar (database versions not stated): gnomAD 0.00001.
gnomAD v4.1: 13 of 1,613,982 alleles (0.00081%); highest among the groups gnomAD compares: African/African-American, 0.011%; no homozygotes.

Submission:

Labcorp Genetics (formerly Invitae), Labcorp
Classification: Uncertain significance. Last evaluated: 2022-07-25. Review status: criteria provided, single submitter. Criteria: Invitae Variant Classification Sherloc (09022015). Collection method: clinical testing. Allele origin: germline.
Comment: This sequence change replaces glycine, which is neutral and non-polar, with arginine, which is basic and polar, at codon 25 of the NDUFAF5 protein (p.Gly25Arg). This variant is not present in population databases (gnomAD no frequency). This variant has not been reported in the literature in individuals affected with NDUFAF5-related conditions. Algorithms developed to predict the effect of missense changes on protein structure and function output the following: SIFT: "Tolerated"; PolyPhen-2: "Benign"; Align-GVGD: "Class C0". The arginine amino acid residue is found in multiple mammalian species, which suggests that this missense change does not adversely affect protein function. In summary, the available evidence is currently insufficient to determine the role of this variant in disease. Therefore, it has been classified as a Variant of Uncertain Significance.

NM_024120.5(NDUFAF5):c.73G>C (p.Gly25Arg)

Genes: NDUFAF5 (NADH:ubiquinone oxidoreductase complex assembly factor 5; plus strand), LOC130065433 (ATAC-STARR-seq lymphoblastoid active region 17552; plus strand). Cytogenetic location: 20p12.1.
Variant type: single nucleotide variant.
Coding change: c.73G>C on transcript NM_024120.5 (MANE Select); coding-DNA position 73, G replaced by C.
Protein change: p.Gly25Arg; replaces glycine 25 with arginine.
Molecular consequence: missense variant. On other transcripts: 5 prime UTR variant (3), non-coding transcript variant (7).
Genome position (GRCh38, 1-based): chr20:13,785,141, G>C. VCF-style: chr20-13785141-G-C. GRCh37 (hg19) VCF-style: chr20-13765787-G-C.
Other names: c.73G>C, p.Gly25Arg (NM_001039375.3, NM_001352408.2); c.-295G>C (NM_001352403.2); c.-509G>C (NM_001352406.2); c.-623G>C (NM_001352407.2); short protein forms G25R.
Identifiers: ClinVar variation 1896052 (VCV001896052.2), dbSNP rs554134618, ClinGen allele CA311428411.